The following is an entry in ClinVar:

ClinVar aggregate classification (germline): Uncertain significance (1 of 4 stars; one submission).

Allele frequency attached by ClinVar (database versions not stated): gnomAD 0.00001; gnomAD exomes 0.00001 and 0.00003; TOPMed 0.00002.
gnomAD v4.1: 12 of 1,513,668 alleles (0.00079%); highest among the groups gnomAD compares: East Asian, 0.0026%; no homozygotes.

Submission:

Labcorp Genetics (formerly Invitae), Labcorp
Classification: Uncertain significance. Last evaluated: 2021-08-02. Review status: criteria provided, single submitter. Criteria: Invitae Variant Classification Sherloc (09022015). Collection method: clinical testing. Allele origin: germline.
Comment: In summary, the available evidence is currently insufficient to determine the role of this variant in disease. Therefore, it has been classified as a Variant of Uncertain Significance. Algorithms developed to predict the effect of missense changes on protein structure and function are either unavailable or do not agree on the potential impact of this missense change (SIFT: "Tolerated"; PolyPhen-2: "Not Available"; Align-GVGD: "Class C0"). This variant has not been reported in the literature in individuals affected with RETREG1-related conditions. The frequency data for this variant in the population databases is considered unreliable, as metrics indicate insufficient coverage at this position in the ExAC database. This sequence change replaces alanine with valine at codon 44 of the RETREG1 protein (p.Ala44Val). The alanine residue is weakly conserved and there is a small physicochemical difference between alanine and valine.

NM_001034850.3(RETREG1):c.131C>T (p.Ala44Val)

Genes: RETREG1 (reticulophagy regulator 1; minus strand), RETREG1-AS1 (RETREG1 antisense RNA 1; plus strand), LOC129993734 (ATAC-STARR-seq lymphoblastoid silent region 15947; plus strand). Cytogenetic location: 5p15.1.
Variant type: single nucleotide variant.
Coding change: c.131C>T on transcript NM_001034850.3 (MANE Select); coding-DNA position 131, C replaced by T.
Protein change: p.Ala44Val; replaces alanine 44 with valine.
Molecular consequence: missense variant.
Genome position (GRCh38, 1-based): chr5:16,616,841, G>A on the plus strand (C>T on the coding strand, the complement: RETREG1 is on the minus strand). VCF-style: chr5-16616841-G-A. GRCh37 (hg19) VCF-style: chr5-16616950-G-A.
Other names: short protein forms A44V.
Identifiers: ClinVar variation 1424530 (VCV001424530.6), dbSNP rs1427601297, ClinGen allele CA359292949.